The following is an entry in ClinVar:

NM_014319.5(LEMD3):c.1978dup (p.Glu660fs)

Gene: LEMD3 (LEM domain containing 3; plus strand). Cytogenetic location: 12q14.3.
Variant type: Duplication.
Coding change: c.1978dup on transcript NM_014319.5 (MANE Select); coding-DNA position 1978, one base duplicated (G; older notation c.1978dupG).
Protein change: p.Glu660fs; shifts the reading frame from glutamic acid 660.
Molecular consequence: frameshift variant.
Genome position (GRCh38, 1-based): chr12:65,239,985, G duplicated. VCF-style (leftmost placement, unchanged base first): chr12-65239984-A-AG. GRCh37 (hg19) VCF-style: chr12-65633764-A-AG.
Other names: c.1975dup, p.Glu659fs (NM_001167614.2); short protein forms E659fs, E660fs.
Identifiers: ClinVar variation 3661137 (VCV003661137.2).

ClinVar aggregate classification (germline): Pathogenic (1 of 4 stars; one submission).

Submission:

Labcorp Genetics (formerly Invitae), Labcorp
Classification: Pathogenic. Last evaluated: 2024-07-31. Review status: criteria provided, single submitter. Criteria: Invitae Variant Classification Sherloc (09022015). Collection method: clinical testing. Allele origin: germline.
Comment: This sequence change creates a premature translational stop signal (p.Glu660Glyfs*9) in the LEMD3 gene. It is expected to result in an absent or disrupted protein product. Loss-of-function variants in LEMD3 are known to be pathogenic (PMID: 15489854, 19438932). This variant is not present in population databases (gnomAD no frequency). This variant has not been reported in the literature in individuals affected with LEMD3-related conditions. For these reasons, this variant has been classified as Pathogenic.

Literature cited by the submitters: PubMed 15489854; PubMed 19438932.